The following is an entry in ClinVar:

ClinVar aggregate classification (germline): Conflicting classifications of pathogenicity. Review status: criteria provided, conflicting classifications (1 of 4 stars). 2 submissions from 2 submitters: Uncertain significance (1); Likely benign (1). Last evaluated 2025-11-03.

Conditions:
Hereditary cancer-predisposing syndrome. Also called: Neoplastic Syndromes, Hereditary; Tumor predisposition; Hereditary Cancer Syndrome; Hereditary neoplastic syndrome. Identifiers: Orphanet 140162, MedGen C0027672, MeSH D009386, MONDO:0015356.
Familial cancer of breast. Also called: BREAST CANCER, FAMILIAL; Hereditary breast cancer; hereditary breast carcinoma. Identifiers: Orphanet 227535, MedGen C0346153, MONDO:0016419, OMIM 114480. Disease mechanism: loss of function.

Allele frequency attached by ClinVar (database versions not stated): gnomAD exomes below 0.00001.
gnomAD v4.1: 1 of 1,595,432 alleles (0.000063%); highest among the groups gnomAD compares: African/African-American, 0.0013%; no homozygotes.

Submissions (2):

Labcorp Genetics (formerly Invitae), Labcorp
Classification: Uncertain significance for Familial cancer of breast. Last evaluated: 2025-11-03. Review status: criteria provided, single submitter. Criteria: Invitae Variant Classification Sherloc (09022015). Collection method: clinical testing. Allele origin: germline.
Comment: This sequence change replaces threonine, which is neutral and polar, with alanine, which is neutral and non-polar, at codon 506 of the CHEK2 protein (p.Thr506Ala). This variant is not present in population databases (gnomAD no frequency). This variant has not been reported in the literature in individuals affected with CHEK2-related conditions. ClinVar contains an entry for this variant (Variation ID: 481720). An algorithm developed to predict the effect of missense changes on protein structure and function outputs the following: PolyPhen-2: "Benign". The alanine amino acid residue is found in multiple mammalian species, which suggests that this missense change does not adversely affect protein function. In summary, the available evidence is currently insufficient to determine the role of this variant in disease. Therefore, it has been classified as a Variant of Uncertain Significance.

Ambry Genetics
Classification: Likely benign for Hereditary cancer-predisposing syndrome. Last evaluated: 2024-07-25. Review status: criteria provided, single submitter. Criteria: Ambry Variant Classification Scheme 2023. Collection method: clinical testing. Allele origin: germline.

NM_007194.4(CHEK2):c.1516A>G (p.Thr506Ala)

Gene: CHEK2 (checkpoint kinase 2; minus strand). Cytogenetic location: 22q12.1.
Variant type: single nucleotide variant.
Coding change: c.1516A>G on transcript NM_007194.4 (MANE Select); coding-DNA position 1516, A replaced by G.
Protein change: p.Thr506Ala; replaces threonine 506 with alanine.
Molecular consequence: missense variant.
Genome position (GRCh38, 1-based): chr22:28,689,161, T>C on the plus strand (A>G on the coding strand, the complement: CHEK2 is on the minus strand). VCF-style: chr22-28689161-T-C. GRCh37 (hg19) VCF-style: chr22-29085149-T-C.
Other names: c.1645A>G, p.Thr549Ala (NM_001005735.3); c.853A>G, p.Thr285Ala (NM_001257387.3); c.1315A>G, p.Thr439Ala (NM_001349956.3); c.1429A>G, p.Thr477Ala (NM_145862.3); short protein forms T506A, T439A, T477A, T285A, T549A.
Identifiers: ClinVar variation 481720 (VCV000481720.11), dbSNP rs1555912010, ClinGen allele CA411092366.